The following is an entry in ClinVar:

NM_024417.5(FDXR):c.1002+8T>C

Gene: FDXR (ferredoxin reductase; minus strand). Cytogenetic location: 17q25.1.
Variant type: single nucleotide variant.
Coding change: c.1002+8T>C on transcript NM_024417.5 (MANE Select); 8 bases into the intron after coding-DNA position 1002, T replaced by C.
Molecular consequence: intron variant.
Genome position (GRCh38, 1-based): chr17:74,864,140, A>G on the plus strand (T>C on the coding strand, the complement: FDXR is on the minus strand). VCF-style: chr17-74864140-A-G. GRCh37 (hg19) VCF-style: chr17-72860262-A-G.
Other names: c.978+8T>C (NM_001258014.4); c.1020+8T>C (NM_004110.6); c.882+8T>C (NM_001258015.3); c.1131+8T>C (NM_001258012.4); c.1095+8T>C (NM_001258013.4); c.846+8T>C (NM_001258016.3); c.1002+8T>C (NM_024417.4).
Identifiers: ClinVar variation 785580 (VCV000785580.7), dbSNP rs34495658, ClinGen allele CA8752961.

ClinVar aggregate classification (germline): Benign. Review status: criteria provided, multiple submitters, no conflicts (2 of 4 stars). 3 submissions from 3 submitters: Benign (2). 1 of the submissions does not count toward it. Last evaluated 2019-12-31.

Conditions:
FDXR-related disorder. Also called: FDXR-related condition; FDXR-related disorders.

Allele frequency attached by ClinVar (database versions not stated): gnomAD exomes 0.00106 and 0.00277; ExAC 0.00329; gnomAD 0.01021 and 0.01091; 1000 Genomes Project 0.01058; ESP Exome Variant Server 0.01107; 1000 Genomes Project 30x 0.01109; TOPMed 0.01132.
gnomAD v4.1: 3,192 of 1,612,886 alleles (0.2%); highest among the groups gnomAD compares: African/African-American, 3.5%; 51 homozygotes.

Submissions (3):

Labcorp Genetics (formerly Invitae), Labcorp
Classification: Benign. Last evaluated: 2019-12-31. Review status: criteria provided, single submitter. Criteria: Invitae Variant Classification Sherloc (09022015). Collection method: clinical testing. Allele origin: germline.

Breakthrough Genomics
Classification: Benign. Review status: criteria provided, single submitter. Criteria: ACMG Guidelines, 2015. Collection method: not provided. Allele origin: germline. Inheritance: Autosomal recessive inheritance. Affected: yes.

PreventionGenetics, part of Exact Sciences
Classification: Benign for FDXR-related condition. Last evaluated: 2019-07-15. Review status: no assertion criteria provided. Collection method: clinical testing. Allele origin: germline. Not counted in ClinVar's aggregate classification.
Comment: This variant is classified as benign based on ACMG/AMP sequence variant interpretation guidelines (Richards et al. 2015 PMID: 25741868, with internal and published modifications).